The following is an entry in ClinVar:

ClinVar aggregate classification (germline): Uncertain significance. Review status: criteria provided, multiple submitters, no conflicts (2 of 4 stars). 2 submissions from 2 submitters: Uncertain significance (2). Last evaluated 2025-09-30.

Conditions:
Atypical hemolytic-uremic syndrome. Identifiers: Orphanet 2134, MedGen C2931788, MONDO:0016244.

gnomAD v4.1: 20 of 1,613,828 alleles (0.0012%); highest among the groups gnomAD compares: East Asian, 0.036%; no homozygotes.

Submissions (2):

Genomenon, Inc
Classification: Uncertain significance for Atypical hemolytic-uremic syndrome. Last evaluated: 2025-09-30. Review status: criteria provided, single submitter. Criteria: Genomenon Sequence Variant Interpretation Standards. Collection method: curation. Allele origin: germline. Affected: yes.
Comment: C3 p.Thr647Met (c.1940C>T) is a missense variant that changes the amino acid at residue 647 from Threonine to Methionine. This variant has been observed in at least one proband affected with atypical hemolytic-uremic syndrome (PMID:28752844). It is absent or not present at a significant frequency in gnomAD. In silico models agree that this variant is not damaging. In conclusion, we classify C3 p.Thr647Met (c.1940C>T) as a variant of unknown significance.

Labcorp Genetics (formerly Invitae), Labcorp
Classification: Uncertain significance. Last evaluated: 2025-01-05. Review status: criteria provided, single submitter. Criteria: Invitae Variant Classification Sherloc (09022015). Collection method: clinical testing. Allele origin: germline.
Comment: This sequence change replaces threonine, which is neutral and polar, with methionine, which is neutral and non-polar, at codon 647 of the C3 protein (p.Thr647Met). This variant is present in population databases (no rsID available, gnomAD 0.006%). This missense change has been observed in individual(s) with atypical hemolytic uremic syndrome (PMID: 28752844). Invitae Evidence Modeling of protein sequence and biophysical properties (such as structural, functional, and spatial information, amino acid conservation, physicochemical variation, residue mobility, and thermodynamic stability) indicates that this missense variant is not expected to disrupt C3 protein function with a negative predictive value of 80%. In summary, the available evidence is currently insufficient to determine the role of this variant in disease. Therefore, it has been classified as a Variant of Uncertain Significance.

Literature cited by the submitters: PubMed 28752844 (cited by Genomenon, Inc and Labcorp Genetics (formerly Invitae), Labcorp).

NM_000064.4(C3):c.1940C>T (p.Thr647Met)

Gene: C3 (complement C3; minus strand). Cytogenetic location: 19p13.3.
Variant type: single nucleotide variant.
Coding change: c.1940C>T on transcript NM_000064.4 (MANE Select); coding-DNA position 1940, C replaced by T.
Protein change: p.Thr647Met; replaces threonine 647 with methionine.
Molecular consequence: missense variant.
Genome position (GRCh38, 1-based): chr19:6,707,835, G>A on the plus strand (C>T on the coding strand, the complement: C3 is on the minus strand). VCF-style: chr19-6707835-G-A. GRCh37 (hg19) VCF-style: chr19-6707846-G-A.
Other names: short protein forms T647M.
Identifiers: ClinVar variation 3704487 (VCV003704487.3).